The following is an entry in ClinVar:

NM_001371986.1(UNC80):c.1897G>C (p.Glu633Gln)

Gene: UNC80 (unc-80 subunit of NALCN channel complex; plus strand). Cytogenetic location: 2q34.
Variant type: single nucleotide variant.
Coding change: c.1897G>C on transcript NM_001371986.1 (MANE Select); coding-DNA position 1897, G replaced by C.
Protein change: p.Glu633Gln; replaces glutamic acid 633 with glutamine.
Molecular consequence: missense variant.
Genome position (GRCh38, 1-based): chr2:209,819,196, G>C. VCF-style: chr2-209819196-G-C. GRCh37 (hg19) VCF-style: chr2-210683920-G-C.
Other names: c.1897G>C, p.Glu633Gln (NM_032504.2, NM_182587.4); short protein forms E633Q.
Identifiers: ClinVar variation 1713425 (VCV001713425.5), dbSNP rs1255398339, ClinGen allele CA350135916.

ClinVar aggregate classification (germline): Uncertain significance (1 of 4 stars; one submission).

Allele frequency attached by ClinVar (database versions not stated): gnomAD exomes below 0.00001.
gnomAD v4.1: 1 of 1,551,980 alleles (0.000064%); highest among the groups gnomAD compares: Non-Finnish European, 0.000087%; no homozygotes.

Submission:

Labcorp Genetics (formerly Invitae), Labcorp
Classification: Uncertain significance. Last evaluated: 2022-07-26. Review status: criteria provided, single submitter. Criteria: Invitae Variant Classification Sherloc (09022015). Collection method: clinical testing. Allele origin: germline.
Comment: This sequence change replaces glutamic acid, which is acidic and polar, with glutamine, which is neutral and polar, at codon 633 of the UNC80 protein (p.Glu633Gln). This variant is present in population databases (no rsID available, gnomAD 0.002%). This variant has not been reported in the literature in individuals affected with UNC80-related conditions. Algorithms developed to predict the effect of missense changes on protein structure and function are either unavailable or do not agree on the potential impact of this missense change (SIFT: "Not Available"; PolyPhen-2: "Probably Damaging"; Align-GVGD: "Not Available"). In summary, the available evidence is currently insufficient to determine the role of this variant in disease. Therefore, it has been classified as a Variant of Uncertain Significance.